The following is an entry in ClinVar:

ClinVar aggregate classification (germline): Uncertain significance (1 of 4 stars; one submission).

Conditions:
Autoimmune lymphoproliferative syndrome, type III caused by mutation in PRKCD. Identifiers: Orphanet 3261, Orphanet 664711, MedGen C3809928, MONDO:8000024, OMIM 615559.

Submission:

Labcorp Genetics (formerly Invitae), Labcorp
Classification: Uncertain significance for Autoimmune lymphoproliferative syndrome, type III caused by mutation in PRKCD. Last evaluated: 2021-11-14. Review status: criteria provided, single submitter. Criteria: Invitae Variant Classification Sherloc (09022015). Collection method: clinical testing. Allele origin: germline.
Comment: In summary, the available evidence is currently insufficient to determine the role of this variant in disease. Therefore, it has been classified as a Variant of Uncertain Significance. Algorithms developed to predict the effect of missense changes on protein structure and function (SIFT, PolyPhen-2, Align-GVGD) all suggest that this variant is likely to be tolerated. This variant has not been reported in the literature in individuals affected with PRKCD-related conditions. This variant is not present in population databases (gnomAD no frequency). This sequence change replaces aspartic acid, which is acidic and polar, with tyrosine, which is neutral and polar, at codon 676 of the PRKCD protein (p.Asp676Tyr).

NM_006254.4(PRKCD):c.2026G>T (p.Asp676Tyr)

Genes: PRKCD (protein kinase C delta; plus strand), LOC129936899 (ATAC-STARR-seq lymphoblastoid active region 19967; plus strand). Cytogenetic location: 3p21.1.
Variant type: single nucleotide variant.
Coding change: c.2026G>T on transcript NM_006254.4 (MANE Select); coding-DNA position 2026, G replaced by T.
Protein change: p.Asp676Tyr; replaces aspartic acid 676 with tyrosine.
Molecular consequence: missense variant.
Genome position (GRCh38, 1-based): chr3:53,192,261, G>T. VCF-style: chr3-53192261-G-T. GRCh37 (hg19) VCF-style: chr3-53226277-G-T.
Other names: c.2026G>T, p.Asp676Tyr (NM_001316327.2, NM_001354679.2, NM_001354680.2 and 1 more transcripts); c.2083G>T, p.Asp695Tyr (NM_001354676.2); c.2074G>T, p.Asp692Tyr (NM_001354678.2); short protein forms D692Y, D676Y, D695Y.
Identifiers: ClinVar variation 1415248 (VCV001415248.6), dbSNP rs2107293780, ClinGen allele CA353225636.